The following is an entry in ClinVar:

NM_004380.3(CREBBP):c.1816C>T (p.His606Tyr)

Gene: CREBBP (CREB binding lysine acetyltransferase; minus strand). Cytogenetic location: 16p13.3.
Variant type: single nucleotide variant.
Coding change: c.1816C>T on transcript NM_004380.3 (MANE Select); coding-DNA position 1816, C replaced by T.
Protein change: p.His606Tyr; replaces histidine 606 with tyrosine.
Molecular consequence: missense variant.
Genome position (GRCh38, 1-based): chr16:3,780,739, G>A on the plus strand (C>T on the coding strand, the complement: CREBBP is on the minus strand). VCF-style: chr16-3780739-G-A. GRCh37 (hg19) VCF-style: chr16-3830740-G-A.
Other names: c.1702C>T, p.His568Tyr (NM_001079846.1); short protein forms H568Y, H606Y.
Identifiers: ClinVar variation 3654818 (VCV003654818.2).

ClinVar aggregate classification (germline): Uncertain significance (1 of 4 stars; one submission).

Conditions:
Rubinstein-Taybi syndrome (RSTS). Identifiers: Orphanet 783, MedGen C0035934, MONDO:0019188.

Submission:

Labcorp Genetics (formerly Invitae), Labcorp
Classification: Uncertain significance for Rubinstein-Taybi syndrome. Last evaluated: 2024-05-27. Review status: criteria provided, single submitter. Criteria: Invitae Variant Classification Sherloc (09022015). Collection method: clinical testing. Allele origin: germline.
Comment: This sequence change replaces histidine, which is basic and polar, with tyrosine, which is neutral and polar, at codon 606 of the CREBBP protein (p.His606Tyr). This variant is not present in population databases (gnomAD no frequency). This variant has not been reported in the literature in individuals affected with CREBBP-related conditions. Advanced modeling of protein sequence and biophysical properties (such as structural, functional, and spatial information, amino acid conservation, physicochemical variation, residue mobility, and thermodynamic stability) performed at Invitae indicates that this missense variant is expected to disrupt CREBBP protein function with a positive predictive value of 95%. In summary, the available evidence is currently insufficient to determine the role of this variant in disease. Therefore, it has been classified as a Variant of Uncertain Significance.